The following is an entry in ClinVar:

ClinVar aggregate classification (germline): Conflicting classifications of pathogenicity. Review status: criteria provided, conflicting classifications (1 of 4 stars). 2 submissions from 2 submitters: Uncertain significance (1); Likely benign (1). Last evaluated 2025-02-14.

Conditions:
Inborn genetic diseases. Identifiers: MedGen C0950123, MeSH D030342.

Allele frequency attached by ClinVar (database versions not stated): ExAC 0.00001; gnomAD 0.00001; gnomAD exomes 0.00001; TOPMed 0.00001.
gnomAD v4.1: 19 of 1,608,654 alleles (0.0012%); highest among the groups gnomAD compares: Middle Eastern, 0.018%; no homozygotes.

Submissions (2):

Ambry Genetics
Classification: Likely benign for Inborn genetic diseases. Last evaluated: 2025-02-14. Review status: criteria provided, single submitter. Criteria: Ambry Variant Classification Scheme 2023. Collection method: clinical testing. Allele origin: germline.

Labcorp Genetics (formerly Invitae), Labcorp
Classification: Uncertain significance. Last evaluated: 2023-09-10. Review status: criteria provided, single submitter. Criteria: Invitae Variant Classification Sherloc (09022015). Collection method: clinical testing. Allele origin: germline.
Comment: In summary, the available evidence is currently insufficient to determine the role of this variant in disease. Therefore, it has been classified as a Variant of Uncertain Significance. Algorithms developed to predict the effect of missense changes on protein structure and function output the following: SIFT: "Not Available"; PolyPhen-2: "Benign"; Align-GVGD: "Not Available". The serine amino acid residue is found in multiple mammalian species, which suggests that this missense change does not adversely affect protein function. This variant has not been reported in the literature in individuals affected with ASXL1-related conditions. This variant is present in population databases (rs754572422, gnomAD 0.003%). This sequence change replaces glycine, which is neutral and non-polar, with serine, which is neutral and polar, at codon 208 of the ASXL1 protein (p.Gly208Ser).

NM_015338.6(ASXL1):c.622G>A (p.Gly208Ser)

Gene: ASXL1 (ASXL transcriptional regulator 1; plus strand). Cytogenetic location: 20q11.21.
Variant type: single nucleotide variant.
Coding change: c.622G>A on transcript NM_015338.6 (MANE Select); coding-DNA position 622, G replaced by A.
Protein change: p.Gly208Ser; replaces glycine 208 with serine.
Molecular consequence: missense variant. On other transcripts: intron variant (1).
Genome position (GRCh38, 1-based): chr20:32,429,957, G>A. VCF-style: chr20-32429957-G-A. GRCh37 (hg19) VCF-style: chr20-31017760-G-A.
Other names: c.535+526G>A (NM_001363734.1); short protein forms G208S.
Identifiers: ClinVar variation 3005860 (VCV003005860.4), dbSNP rs754572422, ClinGen allele CA9808158.